The following is an entry in ClinVar:

NM_020184.4(CNNM4):c.1792G>A (p.Ala598Thr)

Gene: CNNM4 (cyclin and CBS domain divalent metal cation transport mediator 4; plus strand). Cytogenetic location: 2q11.2.
Variant type: single nucleotide variant.
Coding change: c.1792G>A on transcript NM_020184.4 (MANE Select); coding-DNA position 1792, G replaced by A.
Protein change: p.Ala598Thr; replaces alanine 598 with threonine.
Molecular consequence: missense variant.
Genome position (GRCh38, 1-based): chr2:96,799,167, G>A. VCF-style: chr2-96799167-G-A. GRCh37 (hg19) VCF-style: chr2-97464904-G-A.
Other names: short protein forms A598T.
Identifiers: ClinVar variation 898114 (VCV000898114.9), dbSNP rs201310811, ClinGen allele CA1783470.

ClinVar aggregate classification (germline): Uncertain significance. Review status: criteria provided, multiple submitters, no conflicts (2 of 4 stars). 3 submissions from 3 submitters: Uncertain significance (3). Last evaluated 2025-01-18.

Conditions:
Inborn genetic diseases. Identifiers: MedGen C0950123, MeSH D030342.
Jalili syndrome. Also called: CONE-ROD DYSTROPHY AND AMELOGENESIS IMPERFECTA. Identifiers: Orphanet 1873, MedGen C3495589, MONDO:0009007, OMIM 217080.

Allele frequency attached by ClinVar (database versions not stated): gnomAD exomes 0.00007; gnomAD 0.00021; ESP Exome Variant Server 0.00023; TOPMed 0.00025; 1000 Genomes Project 30x 0.00047.
gnomAD v4.1: 137 of 1,605,520 alleles (0.0085%); highest among the groups gnomAD compares: African/African-American, 0.1%; no homozygotes.

Submissions (3):

Ambry Genetics
Classification: Uncertain significance for Inborn genetic diseases. Last evaluated: 2025-01-18. Review status: criteria provided, single submitter. Criteria: Ambry Variant Classification Scheme 2023. Collection method: clinical testing. Allele origin: germline.

Labcorp Genetics (formerly Invitae), Labcorp
Classification: Uncertain significance. Last evaluated: 2022-07-23. Review status: criteria provided, single submitter. Criteria: Invitae Variant Classification Sherloc (09022015). Collection method: clinical testing. Allele origin: germline.
Comment: This sequence change replaces alanine, which is neutral and non-polar, with threonine, which is neutral and polar, at codon 598 of the CNNM4 protein (p.Ala598Thr). This variant is present in population databases (rs201310811, gnomAD 0.1%). This variant has not been reported in the literature in individuals affected with CNNM4-related conditions. ClinVar contains an entry for this variant (Variation ID: 898114). Algorithms developed to predict the effect of missense changes on protein structure and function (SIFT, PolyPhen-2, Align-GVGD) all suggest that this variant is likely to be tolerated. In summary, the available evidence is currently insufficient to determine the role of this variant in disease. Therefore, it has been classified as a Variant of Uncertain Significance.

Illumina Laboratory Services, Illumina
Classification: Uncertain significance for Jalili syndrome. Last evaluated: 2018-01-13. Review status: criteria provided, single submitter. Criteria: ICSL Variant Classification Criteria 13 December 2019. Collection method: clinical testing. Allele origin: germline.